The following is an entry in ClinVar:

NM_020964.3(EPG5):c.4497C>T (p.Asn1499=)

Gene: EPG5 (ectopic P-granules 5 autophagy tethering factor; minus strand). Cytogenetic location: 18q21.1.
Variant type: single nucleotide variant.
Coding change: c.4497C>T on transcript NM_020964.3 (MANE Select); coding-DNA position 4497, C replaced by T.
Protein change: p.Asn1499=; no amino-acid change (asparagine 1499 retained).
Molecular consequence: synonymous variant.
Genome position (GRCh38, 1-based): chr18:45,901,145, G>A on the plus strand (C>T on the coding strand, the complement: EPG5 is on the minus strand). VCF-style: chr18-45901145-G-A. GRCh37 (hg19) VCF-style: chr18-43481110-G-A.
Other names: c.4497C>T, p.Asn1499= (NM_001410858.1, NM_001410859.1).
Identifiers: ClinVar variation 2878981 (VCV002878981.4), dbSNP rs2511711794, ClinGen allele CA503792792.

ClinVar aggregate classification (germline): Likely benign. Review status: criteria provided, multiple submitters, no conflicts (2 of 4 stars). 2 submissions from 2 submitters: Likely benign (2). Last evaluated 2024-09-04.

Conditions:
Vici syndrome (VICIS). Identifiers: Orphanet 1493, MedGen C1855772, MONDO:0009452, OMIM 242840.

Submissions (2):

Women's Health and Genetics/Laboratory Corporation of America, LabCorp
Classification: Likely benign. Last evaluated: 2024-09-04. Review status: criteria provided, single submitter. Criteria: LabCorp Variant Classification Summary - May 2015. Collection method: clinical testing. Allele origin: germline.
Comment: Variant summary: EPG5 c.4497C>T alters a conserved nucleotide resulting in a synonymous change. Consensus agreement among computation tools predict no significant impact on normal splicing. However, these predictions have yet to be confirmed by functional studies. The variant was absent in 248764 control chromosomes. The available data on variant occurrences in the general population are insufficient to allow any conclusion about variant significance. To our knowledge, no occurrence of c.4497C>T in individuals affected with Vici Syndrome and no experimental evidence demonstrating its impact on protein function have been reported. ClinVar contains an entry for this variant (Variation ID: 2878981). Based on the evidence outlined above, the variant was classified as likely benign.

Labcorp Genetics (formerly Invitae), Labcorp
Classification: Likely benign for Vici syndrome. Last evaluated: 2023-06-23. Review status: criteria provided, single submitter. Criteria: Invitae Variant Classification Sherloc (09022015). Collection method: clinical testing. Allele origin: germline.